The following is an entry in ClinVar:

ClinVar aggregate classification (germline): Likely benign. Review status: criteria provided, single submitter (1 of 4 stars). 2 submissions from 2 submitters: Likely benign (1). 1 of the submissions does not count toward it. Last evaluated 2025-09-13.

Conditions:
GLI2-related disorder. Also called: GLI2-related disorders; GLI2-related condition.
Holoprosencephaly 9 (HPE9). Also called: PITUITARY ANOMALIES WITH HOLOPROSENCEPHALY-LIKE FEATURES; HOLOPROSENCEPHALY WITH MICROPHTHALMIA AND FIRST BRANCHIAL ARCH ANOMALIES. Identifiers: Orphanet 2162, MedGen C1835819, MONDO:0012563, OMIM 610829.
Postaxial polydactyly-anterior pituitary anomalies-facial dysmorphism syndrome. Also called: Culler-Jones syndrome. Identifiers: Orphanet 420584, MedGen C4014479, MONDO:0014369, OMIM 615849.

Allele frequency attached by ClinVar (database versions not stated): ExAC 0.00009; gnomAD 0.00001; gnomAD exomes 0.00001; TOPMed 0.00002.
gnomAD v4.1: 12 of 1,506,184 alleles (0.0008%); highest among the groups gnomAD compares: Middle Eastern, 0.035%; no homozygotes.

Submissions (2):

Labcorp Genetics (formerly Invitae), Labcorp
Classification: Likely benign for Postaxial polydactyly-anterior pituitary anomalies-facial dysmorphism syndrome; Holoprosencephaly 9. Last evaluated: 2025-09-13. Review status: criteria provided, single submitter. Criteria: Invitae Variant Classification Sherloc (09022015). Collection method: clinical testing. Allele origin: germline.

PreventionGenetics, part of Exact Sciences
Classification: Likely benign for GLI2-related condition. Last evaluated: 2022-10-19. Review status: no assertion criteria provided. Collection method: clinical testing. Allele origin: germline. Not counted in ClinVar's aggregate classification.
Comment: This variant is classified as likely benign based on ACMG/AMP sequence variant interpretation guidelines (Richards et al. 2015 PMID: 25741868, with internal and published modifications).

NM_001374353.1(GLI2):c.2925C>T (p.Asn975=)

Gene: GLI2 (GLI family zinc finger 2; plus strand). Cytogenetic location: 2q14.2.
Variant type: single nucleotide variant.
Coding change: c.2925C>T on transcript NM_001374353.1 (MANE Select); coding-DNA position 2925, C replaced by T.
Protein change: p.Asn975=; no amino-acid change (asparagine 975 retained).
Molecular consequence: synonymous variant.
Genome position (GRCh38, 1-based): chr2:120,988,890, C>T. VCF-style: chr2-120988890-C-T. GRCh37 (hg19) VCF-style: chr2-121746466-C-T.
Other names: c.2976C>T, p.Asn992= (NM_001371271.1, NM_005270.5); c.2550C>T, p.Asn850= (NM_001374354.1).
Identifiers: ClinVar variation 3032815 (VCV003032815.3), dbSNP rs759031735, ClinGen allele CA1852285.